The following is an entry in ClinVar:

NM_021800.3(DNAJC12):c.221G>A (p.Arg74His)

Gene: DNAJC12 (DnaJ heat shock protein family (Hsp40) member C12; minus strand). Cytogenetic location: 10q21.3.
Variant type: single nucleotide variant.
Coding change: c.221G>A on transcript NM_021800.3 (MANE Select); coding-DNA position 221, G replaced by A.
Protein change: p.Arg74His; replaces arginine 74 with histidine.
Molecular consequence: missense variant.
Genome position (GRCh38, 1-based): chr10:67,811,600, C>T on the plus strand (G>A on the coding strand, the complement: DNAJC12 is on the minus strand). VCF-style: chr10-67811600-C-T. GRCh37 (hg19) VCF-style: chr10-69571358-C-T.
Other names: c.221G>A, p.Arg74His (NM_201262.2); short protein forms R74H.
Identifiers: ClinVar variation 1510006 (VCV001510006.8), dbSNP rs769789184, ClinGen allele CA5520874.

ClinVar aggregate classification (germline): Uncertain significance (1 of 4 stars; one submission).

gnomAD v4.1: 12 of 1,614,066 alleles (0.00074%); highest among the groups gnomAD compares: Middle Eastern, 0.016%; no homozygotes.

Submission:

Labcorp Genetics (formerly Invitae), Labcorp
Classification: Uncertain significance. Last evaluated: 2021-07-22. Review status: criteria provided, single submitter. Criteria: Invitae Variant Classification Sherloc (09022015). Collection method: clinical testing. Allele origin: germline.
Comment: This sequence change replaces arginine with histidine at codon 74 of the DNAJC12 protein (p.Arg74His). The arginine residue is moderately conserved and there is a small physicochemical difference between arginine and histidine. Algorithms developed to predict the effect of missense changes on protein structure and function output the following: SIFT: "Tolerated"; PolyPhen-2: "Benign"; Align-GVGD: "Class C0". The histidine amino acid residue is found in multiple mammalian species, which suggests that this missense change does not adversely affect protein function. In summary, the available evidence is currently insufficient to determine the role of this variant in disease. Therefore, it has been classified as a Variant of Uncertain Significance. This variant has not been reported in the literature in individuals affected with DNAJC12-related conditions. This variant is present in population databases (rs769789184, ExAC 0.006%).